The following is an entry in ClinVar:

ClinVar aggregate classification (germline): Conflicting classifications of pathogenicity. Review status: criteria provided, conflicting classifications (1 of 4 stars). 2 submissions from 2 submitters: Uncertain significance (1); Likely benign (1). Last evaluated 2023-03-23.

Conditions:
Hereditary cancer-predisposing syndrome. Also called: Neoplastic Syndromes, Hereditary; Hereditary Cancer Syndrome; Tumor predisposition; Hereditary neoplastic syndrome. Identifiers: Orphanet 140162, MedGen C0027672, MeSH D009386, MONDO:0015356.
Hereditary breast ovarian cancer syndrome. Also called: Hereditary breast and ovarian cancer; Hereditary breast and/or ovarian cancer syndrome; Hereditary breast and ovarian cancer syndrome; Hereditary breast and ovarian cancer syndrome (HBOC); Breast and ovarian cancer; BRCA1- and BRCA2-Associated Hereditary Breast and Ovarian Cancer. Identifiers: Orphanet 145, MedGen C0677776, MeSH D061325, MONDO:0003582. Disease mechanism: loss of function.

Submissions (2):

University of Washington Department of Laboratory Medicine, University of Washington
Classification: Likely benign for Hereditary cancer-predisposing syndrome. Last evaluated: 2023-03-23. Review status: criteria provided, single submitter. Criteria: Dines et al. (Genet Med. 2020). Collection method: curation. Allele origin: germline.
Comment: Missense variant in a coldspot region where missense variants are very unlikely to be pathogenic (PMID:31911673).

BRCA1 coldspot (exon 11 using historical exon numbering). Reclassification based on statistical prior probability

Labcorp Genetics (formerly Invitae), Labcorp
Classification: Uncertain significance for Hereditary breast ovarian cancer syndrome. Last evaluated: 2021-08-18. Review status: criteria provided, single submitter. Criteria: Invitae Variant Classification Sherloc (09022015). Collection method: clinical testing. Allele origin: germline.
Comment: This sequence change replaces glutamic acid with glycine at codon 880 of the BRCA1 protein (p.Glu880Gly). The glutamic acid residue is weakly conserved and there is a moderate physicochemical difference between glutamic acid and glycine. This variant is not present in population databases (ExAC no frequency). This variant has not been reported in the literature in individuals affected with BRCA1-related conditions. Advanced modeling of protein sequence and biophysical properties (such as structural, functional, and spatial information, amino acid conservation, physicochemical variation, residue mobility, and thermodynamic stability) performed at Invitae indicates that this missense variant is not expected to disrupt BRCA1 protein function. In summary, the available evidence is currently insufficient to determine the role of this variant in disease. Therefore, it has been classified as a Variant of Uncertain Significance.

NM_007294.4(BRCA1):c.2639A>G (p.Glu880Gly)

Gene: BRCA1 (BRCA1 DNA repair associated; minus strand). Cytogenetic location: 17q21.31.
Variant type: single nucleotide variant.
Coding change: c.2639A>G on transcript NM_007294.4 (MANE Select); coding-DNA position 2639, A replaced by G.
Protein change: p.Glu880Gly; replaces glutamic acid 880 with glycine.
Molecular consequence: missense variant. On other transcripts: intron variant (137).
Genome position (GRCh38, 1-based): chr17:43,092,892, T>C on the plus strand (A>G on the coding strand, the complement: BRCA1 is on the minus strand). VCF-style: chr17-43092892-T-C. GRCh37 (hg19) VCF-style: chr17-41244909-T-C.
Other names: c.2426A>G, p.Glu809Gly (NM_001407571.1, NM_001407853.1, NM_001407894.1 and 9 more transcripts); c.2639A>G, p.Glu880Gly (NM_001407581.1, NM_001407582.1, NM_001407583.1 and 30 more transcripts); c.2636A>G, p.Glu879Gly (NM_001407587.1, NM_001407590.1, NM_001407591.1 and 22 more transcripts); c.2630A>G, p.Glu877Gly (NM_001407646.1, NM_001407647.1); c.2516A>G, p.Glu839Gly (NM_001407648.1, NM_001407664.1, NM_001407665.1 and 19 more transcripts); c.2513A>G, p.Glu838Gly (NM_001407649.1, NM_001407670.1, NM_001407671.1 and 11 more transcripts); c.2561A>G, p.Glu854Gly (NM_001407653.1, NM_001407654.1, NM_001407655.1 and 4 more transcripts); c.2558A>G, p.Glu853Gly (NM_001407659.1, NM_001407660.1, NM_001407661.1 and 1 more transcripts); and 41 more; short protein forms E880G, E833G, E753G, E768G, E810G, E832G, E838G, E839G.
Identifiers: ClinVar variation 1375867 (VCV001375867.9), dbSNP rs2154367305, ClinGen allele CA10596716.